The following is an entry in ClinVar:

NM_033028.5(BBS4):c.61C>T (p.Pro21Ser)

Gene: BBS4 (Bardet-Biedl syndrome 4; plus strand). Cytogenetic location: 15q24.1.
Variant type: single nucleotide variant.
Coding change: c.61C>T on transcript NM_033028.5 (MANE Select); coding-DNA position 61, C replaced by T.
Protein change: p.Pro21Ser; replaces proline 21 with serine.
Molecular consequence: missense variant. On other transcripts: non-coding transcript variant (2), intron variant (1).
Genome position (GRCh38, 1-based): chr15:72,695,213, C>T. VCF-style: chr15-72695213-C-T. GRCh37 (hg19) VCF-style: chr15-72987554-C-T.
Other names: c.61C>T, p.Pro21Ser (NM_001320665.2); c.-446+8962C>T (NM_001252678.2); c.61C>T (NM_033028.4, NM_033028.3); short protein forms P21S.
Identifiers: ClinVar variation 1036987 (VCV001036987.9), dbSNP rs916749492, ClinGen allele CA272620932.

ClinVar aggregate classification (germline): Uncertain significance. Review status: criteria provided, multiple submitters, no conflicts (2 of 4 stars). 4 submissions from 4 submitters: Uncertain significance (4). Last evaluated 2026-05-10.

Conditions:
Bardet-Biedl syndrome (BBS). Identifiers: Orphanet 110, MedGen C0752166, MONDO:0015229.
BBS4-related disorder. Also called: BBS4-related condition.
Inborn genetic diseases. Identifiers: MedGen C0950123, MeSH D030342.

Allele frequency attached by ClinVar (database versions not stated): gnomAD 0.00001; TOPMed 0.00001.

Submissions (4):

PreventionGenetics, part of Exact Sciences
Classification: Uncertain significance for BBS4-related condition. Last evaluated: 2026-05-10. Review status: criteria provided, single submitter. Criteria: ACMG Guidelines, 2015. Collection method: clinical testing. Allele origin: germline.
Comment: The BBS4 c.61C>T variant is predicted to result in the amino acid substitution p.Pro21Ser. To our knowledge, this variant has not been reported in the literature or in a large population database (gnomAD), indicating this variant is rare. At this time, the clinical significance of this variant is uncertain due to the absence of conclusive functional and genetic evidence.

Ambry Genetics
Classification: Uncertain significance for Inborn genetic diseases. Last evaluated: 2025-12-22. Review status: criteria provided, single submitter. Criteria: Ambry Variant Classification Scheme 2023. Collection method: clinical testing. Allele origin: germline.

Blueprint Genetics
Classification: Uncertain significance. Last evaluated: 2023-01-03. Review status: criteria provided, single submitter. Criteria: ACMG Guidelines, 2015. Collection method: clinical testing. Allele origin: germline.

Labcorp Genetics (formerly Invitae), Labcorp
Classification: Uncertain significance for Bardet-Biedl syndrome. Last evaluated: 2021-09-01. Review status: criteria provided, single submitter. Criteria: Invitae Variant Classification Sherloc (09022015). Collection method: clinical testing. Allele origin: germline.
Comment: This sequence change replaces proline with serine at codon 21 of the BBS4 protein (p.Pro21Ser). The proline residue is moderately conserved and there is a moderate physicochemical difference between proline and serine. This variant is not present in population databases (ExAC no frequency). This variant has not been reported in the literature in individuals affected with BBS4-related conditions. Algorithms developed to predict the effect of missense changes on protein structure and function output the following: SIFT: "Tolerated"; PolyPhen-2: "Benign"; Align-GVGD: "Class C0". The serine amino acid residue is found in multiple mammalian species, which suggests that this missense change does not adversely affect protein function. In summary, the available evidence is currently insufficient to determine the role of this variant in disease. Therefore, it has been classified as a Variant of Uncertain Significance.